The following is an entry in ClinVar:

ClinVar aggregate classification (germline): Uncertain significance (1 of 4 stars; one submission).

Conditions:
Arrhythmogenic cardiomyopathy with wooly hair and keratoderma. Also called: Carvajal syndrome; PALMOPLANTAR KERATODERMA WITH LEFT VENTRICULAR CARDIOMYOPATHY AND WOOLLY HAIR; Dilated cardiomyopathy with woolly hair and keratoderma; Arrhythmogenic cardiomyopathy with woolly hair and keratoderma. Identifiers: Orphanet 65282, MedGen C1854063, MONDO:0011581, OMIM 605676.

gnomAD v4.1: 3 of 1,614,154 alleles (0.00019%); highest among the groups gnomAD compares: Non-Finnish European, 0.00025%; no homozygotes.

Submission:

All of Us Research Program, National Institutes of Health
Classification: Uncertain significance for Arrhythmogenic cardiomyopathy with wooly hair and keratoderma. Last evaluated: 2024-05-14. Review status: criteria provided, single submitter. Criteria: ACMG Guidelines, 2015. Collection method: clinical testing. Allele origin: germline. Inheritance: Autosomal dominant inheritance. Observed: 1 variant allele, 1 heterozygote.
Comment: This missense variant replaces glutamic acid with lysine at codon 1081 of the DSP protein. Computational prediction suggests that this variant may not impact protein structure and function (internally defined REVEL score threshold <= 0.5, PMID: 27666373). To our knowledge, functional studies have not been reported for this variant. This variant has not been reported in individuals affected with DSP-related disorders in the literature. This variant has not been identified in the general population by the Genome Aggregation Database (gnomAD). The available evidence is insufficient to determine the role of this variant in disease conclusively. Therefore, this variant is classified as a Variant of Uncertain Significance.

This study involves interpretation of variants in research participants for the purpose of population health screening. Participant phenotype was not available at the time of variant classification. Additional details can be found in publication PMID: 35346344, PMCID: PMC8962531

NM_004415.4(DSP):c.3241G>A (p.Glu1081Lys)

Gene: DSP (desmoplakin; plus strand). Cytogenetic location: 6p24.3.
Variant type: single nucleotide variant.
Coding change: c.3241G>A on transcript NM_004415.4 (MANE Select); coding-DNA position 3241, G replaced by A.
Protein change: p.Glu1081Lys; replaces glutamic acid 1081 with lysine.
Molecular consequence: missense variant.
Genome position (GRCh38, 1-based): chr6:7,579,431, G>A. VCF-style: chr6-7579431-G-A. GRCh37 (hg19) VCF-style: chr6-7579664-G-A.
Other names: c.3241G>A, p.Glu1081Lys (NM_001008844.3, NM_001319034.2); short protein forms E1081K.
Identifiers: ClinVar variation 3386657 (VCV003386657.1).